The following is an entry in ClinVar:

ClinVar aggregate classification (germline): Uncertain significance. Review status: criteria provided, multiple submitters, no conflicts (2 of 4 stars). 2 submissions from 2 submitters: Uncertain significance (2). Last evaluated 2024-09-25.

Allele frequency attached by ClinVar (database versions not stated): gnomAD 0.00005; ExAC 0.00008; 1000 Genomes Project 30x 0.00016; ESP Exome Variant Server 0.00016; 1000 Genomes Project 0.00020.
gnomAD v4.1: 70 of 1,611,588 alleles (0.0043%); highest among the groups gnomAD compares: South Asian, 0.037%; 2 homozygotes.

Submissions (2):

Blueprint Genetics
Classification: Uncertain significance. Last evaluated: 2024-09-25. Review status: criteria provided, single submitter. Criteria: ACMG Guidelines, 2015. Collection method: clinical testing. Allele origin: germline.

Labcorp Genetics (formerly Invitae), Labcorp
Classification: Uncertain significance. Last evaluated: 2022-05-06. Review status: criteria provided, single submitter. Criteria: Invitae Variant Classification Sherloc (09022015). Collection method: clinical testing. Allele origin: germline.
Comment: This sequence change replaces glycine, which is neutral and non-polar, with serine, which is neutral and polar, at codon 3287 of the CDH23 protein (p.Gly3287Ser). This variant is present in population databases (rs374102885, gnomAD 0.04%). This variant has not been reported in the literature in individuals affected with CDH23-related conditions. Algorithms developed to predict the effect of missense changes on protein structure and function are either unavailable or do not agree on the potential impact of this missense change (SIFT: "Deleterious"; PolyPhen-2: "Not Available"; Align-GVGD: "Class C0"). Algorithms developed to predict the effect of sequence changes on RNA splicing suggest that this variant may create or strengthen a splice site. In summary, the available evidence is currently insufficient to determine the role of this variant in disease. Therefore, it has been classified as a Variant of Uncertain Significance.

NM_022124.6(CDH23):c.9859G>A (p.Gly3287Ser)

Gene: CDH23 (cadherin related 23; plus strand). Cytogenetic location: 10q22.1.
Variant type: single nucleotide variant.
Coding change: c.9859G>A on transcript NM_022124.6 (MANE Select); coding-DNA position 9859, G replaced by A.
Protein change: p.Gly3287Ser; replaces glycine 3287 with serine.
Molecular consequence: missense variant.
Genome position (GRCh38, 1-based): chr10:71,815,072, G>A. VCF-style: chr10-71815072-G-A. GRCh37 (hg19) VCF-style: chr10-73574829-G-A.
Other names: c.3139G>A, p.Gly1047Ser (NM_001171933.1); c.3034G>A, p.Gly1012Ser (NM_001171934.1); c.550G>A, p.Gly184Ser (NM_001171935.1); c.445G>A, p.Gly149Ser (NM_001171936.1); short protein forms G1012S, G184S, G1047S, G149S, G3287S.
Identifiers: ClinVar variation 2069445 (VCV002069445.2), dbSNP rs374102885, ClinGen allele CA5547192.
Genomic context (GRCh38, chr10:71,815,072, plus strand): 5'-CGCTTCCGCCACAAGCCACCAGTGGAGCTCAAGGGGCCCGATGGGATCCATGTGGTGCAC[G>A]GCAGCACGGGCACGCTGCTGGCCACCGACCTCAACAGCCTGCCCGAGGAAGACCAGAAGG-3'
Protein context (NP_071407.4, residues 3277-3297): KGPDGIHVVH[Gly3287Ser]STGTLLATDL